The following is an entry in ClinVar:

NM_001379451.1(BCORL1):c.2939C>T (p.Thr980Met)

Gene: BCORL1 (BCL6 corepressor like 1; plus strand). Cytogenetic location: Xq26.1.
Variant type: single nucleotide variant.
Coding change: c.2939C>T on transcript NM_001379451.1 (MANE Select); coding-DNA position 2939, C replaced by T.
Protein change: p.Thr980Met; replaces threonine 980 with methionine.
Molecular consequence: missense variant.
Genome position (GRCh38, 1-based): chrX:130,015,711, C>T. VCF-style: chrX-130015711-C-T. GRCh37 (hg19) VCF-style: chrX-129149687-C-T.
Other names: Thr980Met; c.2939C>T, p.Thr980Met (NM_001184772.3, NM_001379450.1, NM_021946.5); short protein forms T980M.
Identifiers: ClinVar variation 3253088 (VCV003253088.3), dbSNP rs755857508.

ClinVar aggregate classification (germline): Uncertain significance. Review status: criteria provided, multiple submitters, no conflicts (2 of 4 stars). 2 submissions from 2 submitters: Uncertain significance (2). Last evaluated 2024-08-05.

Conditions:
Shukla-Vernon syndrome. Identifiers: MedGen C5193146, MONDO:0026727, OMIM 301029.

Allele frequency attached by ClinVar (database versions not stated): gnomAD exomes below 0.00001; ExAC 0.00001; TOPMed 0.00001.
gnomAD v4.1: 3 of 1,212,013 alleles (0.00025%); highest among the groups gnomAD compares: Non-Finnish European, 0.00033%; no homozygotes.

Submissions (2):

Foundation for Research in Genetics and Endocrinology, FRIGE's Institute of Human Genetics
Classification: Uncertain significance for Shukla-Vernon syndrome. Last evaluated: 2024-08-05. Review status: criteria provided, single submitter. Criteria: ACMG Guidelines, 2015. Collection method: clinical testing. Allele origin: germline. Inheritance: X-linked recessive inheritance. Affected: yes. Observed: 1 hemizygote.
Comment: A hemizygous missense variant in exon 4 of the BCORL1 gene that results in the amino acid substitution of Methionine for Threonine at codon 980 (p.Thr980Met) was detected. This variant has not been reported in the 1000 genomes, gnomAD (v3.1) and gnomAD (v2.1) databases and has a minor allele frequency of 0.001% in the topmed databases. The in silico predictions of the variant are possibly damaging by PolyPhen-2 and damaging by SIFT. The reference codon is conserved across mammals. In summary, the variant meets our criteria to be classified as variant of uncertain significance.

GeneDx
Classification: Uncertain significance. Last evaluated: 2024-05-20. Review status: criteria provided, single submitter. Criteria: GeneDx Variant Classification Process June 2021. Collection method: clinical testing. Allele origin: germline. Affected: yes.
Comment: Not observed at significant frequency in large population cohorts (gnomAD); In silico analysis indicates that this missense variant does not alter protein structure/function; Has not been previously published as pathogenic or benign to our knowledge